The following is an entry in ClinVar:

ClinVar aggregate classification (germline): Uncertain significance (0 of 4 stars; one submission).

Conditions:
KMT2A-related disorder. Also called: KMT2A-related condition.

Submission:

PreventionGenetics, part of Exact Sciences
Classification: Uncertain significance for KMT2A-related condition. Last evaluated: 2024-05-09. Review status: no assertion criteria provided. Collection method: clinical testing. Allele origin: germline.
Comment: The KMT2A c.5504C>T variant is predicted to result in the amino acid substitution p.Pro1835Leu. To our knowledge, this variant has not been reported in the literature or in a large population database, indicating this variant is rare. At this time, the clinical significance of this variant is uncertain due to the absence of conclusive functional and genetic evidence.

NM_001197104.2(KMT2A):c.5504C>T (p.Pro1835Leu)

Gene: KMT2A (lysine methyltransferase 2A; plus strand). Cytogenetic location: 11q23.3.
Variant type: single nucleotide variant.
Coding change: c.5504C>T on transcript NM_001197104.2 (MANE Select); coding-DNA position 5504, C replaced by T.
Protein change: p.Pro1835Leu; replaces proline 1835 with leucine.
Molecular consequence: missense variant.
Genome position (GRCh38, 1-based): chr11:118,495,840, C>T. VCF-style: chr11-118495840-C-T. GRCh37 (hg19) VCF-style: chr11-118366555-C-T.
Other names: c.5594C>T, p.Pro1865Leu (NM_001412597.1); c.5495C>T, p.Pro1832Leu (NM_005933.4); short protein forms P1832L, P1835L, P1865L.
Identifiers: ClinVar variation 3346552 (VCV003346552.1).